The following is an entry in ClinVar:

NM_000489.6(ATRX):c.1448A>C (p.Gln483Pro)

Gene: ATRX (ATRX chromatin remodeler; minus strand). Cytogenetic location: Xq21.1.
Variant type: single nucleotide variant.
Coding change: c.1448A>C on transcript NM_000489.6 (MANE Select); coding-DNA position 1448, A replaced by C.
Protein change: p.Gln483Pro; replaces glutamine 483 with proline.
Molecular consequence: missense variant.
Genome position (GRCh38, 1-based): chrX:77,683,808, T>G on the plus strand (A>C on the coding strand, the complement: ATRX is on the minus strand). VCF-style: chrX-77683808-T-G. GRCh37 (hg19) VCF-style: chrX-76939300-T-G.
Other names: c.1334A>C, p.Gln445Pro (NM_138270.5); short protein forms Q483P, Q445P.
Identifiers: ClinVar variation 465040 (VCV000465040.12), dbSNP rs781820428, ClinGen allele CA10458198.

ClinVar aggregate classification (germline): Benign/Likely benign. Review status: criteria provided, multiple submitters, no conflicts (2 of 4 stars). 2 submissions from 2 submitters: Benign (1); Likely benign (1). Last evaluated 2026-01-06.

Conditions:
Alpha thalassemia-X-linked intellectual disability syndrome (ATRX). Also called: ALPHA-THALASSEMIA/MENTAL RETARDATION SYNDROME, X-LINKED; ATR, NONDELETION TYPE; X-linked alpha-thalassemia-mental retardation syndrome; ALPHA-THALASSEMIA/IMPAIRED INTELLECTUAL DEVELOPMENT SYNDROME, X-LINKED; ATR-X syndrome; Alpha thalassemia mental retardation syndrome, nondeletion type, X-linked. Identifiers: Orphanet 847, MedGen C1845055, MONDO:0010519, OMIM 301040.
ATRX-related disorder. Also called: ATRX-related condition.

Allele frequency attached by ClinVar (database versions not stated): gnomAD exomes 0.00008 and 0.00002; ExAC 0.00010; gnomAD 0.00004; TOPMed 0.00006.
gnomAD v4.1: 28 of 1,209,285 alleles (0.0023%); highest among the groups gnomAD compares: East Asian, 0.062%; no homozygotes.

Submissions (2):

Labcorp Genetics (formerly Invitae), Labcorp
Classification: Benign for Alpha thalassemia-X-linked intellectual disability syndrome. Last evaluated: 2026-01-06. Review status: criteria provided, single submitter. Criteria: Invitae Variant Classification Sherloc (09022015). Collection method: clinical testing. Allele origin: germline.

PreventionGenetics, part of Exact Sciences
Classification: Likely benign for ATRX-related condition. Last evaluated: 2025-08-28. Review status: criteria provided, single submitter. Criteria: ACMG Guidelines, 2015. Collection method: clinical testing. Allele origin: germline.
Comment: This variant is classified as likely benign based on ACMG/AMP sequence variant interpretation guidelines (Richards et al. 2015 PMID: 25741868, with internal and published modifications).